The following is an entry in ClinVar:

NC_000016.10:g.30053469G>A

Genes: ALDOA (aldolase, fructose-bisphosphate A; plus strand), LOC112694756 (uncharaterized LOC112694756; plus strand). Cytogenetic location: 16p11.2.
Variant type: single nucleotide variant.
Molecular consequence: 5 prime UTR variant (on NM_001365304.2).
Genome position: GRCh38 VCF-style: chr16-30053469-G-A. GRCh37 (hg19) VCF-style: chr16-30064790-G-A.
Other names: c.-25G>A (NM_001365304.2, NM_001365305.2, NM_001365307.2).
Identifiers: ClinVar variation 390275 (VCV000390275.3), dbSNP rs774449859, ClinGen allele CA16607400.

ClinVar aggregate classification (germline): Likely benign. Review status: criteria provided, multiple submitters, no conflicts (2 of 4 stars). 2 submissions from 2 submitters: Likely benign (2). Last evaluated 2016-11-16.

Allele frequency attached by ClinVar (database versions not stated): gnomAD 0.00017 and 0.00019; TOPMed 0.00030.

Submissions (2):

GeneDx
Classification: Likely benign. Last evaluated: 2016-11-16. Review status: criteria provided, single submitter. Criteria: GeneDx Variant Classification (06012015). Collection method: clinical testing. Allele origin: germline. Affected: yes.
Comment: This variant is considered likely benign or benign based on one or more of the following criteria: it is a conservative change, it occurs at a poorly conserved position in the protein, it is predicted to be benign by multiple in silico algorithms, and/or has population frequency not consistent with disease.

Breakthrough Genomics
Classification: Likely benign. Review status: criteria provided, single submitter. Criteria: ACMG Guidelines, 2015. Collection method: not provided. Allele origin: germline. Inheritance: Unknown mechanism. Affected: yes.